The following is an entry in ClinVar:

ClinVar aggregate classification (germline): Uncertain significance (1 of 4 stars; one submission).

Conditions:
ALG12-congenital disorder of glycosylation (CDG1G). Also called: CDG Ig; ALG12-CDG; Congenital disorder of glycosylation, type Ig. Identifiers: Orphanet 79324, MedGen C2931001, MONDO:0011783, OMIM 607143.

Allele frequency attached by ClinVar (database versions not stated): gnomAD exomes below 0.00001.
gnomAD v4.1: 1 of 1,614,198 alleles (0.000062%); highest among the groups gnomAD compares: Non-Finnish European, 0.000085%; no homozygotes.

Submission:

Labcorp Genetics (formerly Invitae), Labcorp
Classification: Uncertain significance for ALG12-congenital disorder of glycosylation. Last evaluated: 2022-05-20. Review status: criteria provided, single submitter. Criteria: Invitae Variant Classification Sherloc (09022015). Collection method: clinical testing. Allele origin: germline.
Comment: This sequence change replaces methionine, which is neutral and non-polar, with threonine, which is neutral and polar, at codon 376 of the ALG12 protein (p.Met376Thr). This variant is not present in population databases (gnomAD no frequency). This variant has not been reported in the literature in individuals affected with ALG12-related conditions. Algorithms developed to predict the effect of missense changes on protein structure and function (SIFT, PolyPhen-2, Align-GVGD) all suggest that this variant is likely to be disruptive. In summary, the available evidence is currently insufficient to determine the role of this variant in disease. Therefore, it has been classified as a Variant of Uncertain Significance.

NM_024105.4(ALG12):c.1127T>C (p.Met376Thr)

Gene: ALG12 (ALG12 alpha-1,6-mannosyltransferase; minus strand). Cytogenetic location: 22q13.33.
Variant type: single nucleotide variant.
Coding change: c.1127T>C on transcript NM_024105.4 (MANE Select); coding-DNA position 1127, T replaced by C.
Protein change: p.Met376Thr; replaces methionine 376 with threonine.
Molecular consequence: missense variant.
Genome position (GRCh38, 1-based): chr22:49,904,372, A>G on the plus strand (T>C on the coding strand, the complement: ALG12 is on the minus strand). VCF-style: chr22-49904372-A-G. GRCh37 (hg19) VCF-style: chr22-50298020-A-G.
Other names: short protein forms M376T.
Identifiers: ClinVar variation 1968893 (VCV001968893.2), dbSNP rs943300382, ClinGen allele CA325424761.
Genomic context (GRCh38, chr22:49,904,372, plus strand): 5'-CCCAGGCAGTGCCCCCAGCACCCACCTGTCTGGGGGGGCACCAGCTGGTGCAGCCTCTGC[A>G]TTGCGACGCCACCTGGGTAGTTGAAATGGGACACATACAGGGCCGTGGCTGAGTAGGCGG-3'
Protein context (NP_077010.1, residues 366-386): SHFNYPGGVA[Met376Thr]QRLHQLVPPQ